The following is an entry in ClinVar:

ClinVar aggregate classification (germline): Uncertain significance. Review status: criteria provided, multiple submitters, no conflicts (2 of 4 stars). 3 submissions from 3 submitters: Uncertain significance (3). Last evaluated 2025-08-03.

Conditions:
Inborn genetic diseases. Identifiers: MedGen C0950123, MeSH D030342.

Allele frequency attached by ClinVar (database versions not stated): gnomAD exomes 0.00002 and 0.00003; ExAC 0.00004; ESP Exome Variant Server 0.00008; gnomAD 0.00011 and 0.00012; TOPMed 0.00012; 1000 Genomes Project 30x 0.00016; 1000 Genomes Project 0.00020.
gnomAD v4.1: 60 of 1,607,740 alleles (0.0037%); highest among the groups gnomAD compares: African/African-American, 0.058%; no homozygotes.

Submissions (3):

Labcorp Genetics (formerly Invitae), Labcorp
Classification: Uncertain significance. Last evaluated: 2025-08-03. Review status: criteria provided, single submitter. Criteria: Invitae Variant Classification Sherloc (09022015). Collection method: clinical testing. Allele origin: germline.
Comment: This sequence change replaces lysine, which is basic and polar, with asparagine, which is neutral and polar, at codon 1816 of the GPR179 protein (p.Lys1816Asn). This variant is present in population databases (rs369946547, gnomAD 0.04%). This variant has not been reported in the literature in individuals affected with GPR179-related conditions. ClinVar contains an entry for this variant (Variation ID: 1469809). An algorithm developed to predict the effect of missense changes on protein structure and function outputs the following: PolyPhen-2: "Benign". The asparagine amino acid residue is found in multiple mammalian species, which suggests that this missense change does not adversely affect protein function. In summary, the available evidence is currently insufficient to determine the role of this variant in disease. Therefore, it has been classified as a Variant of Uncertain Significance.

Blueprint Genetics
Classification: Uncertain significance. Last evaluated: 2022-06-24. Review status: criteria provided, single submitter. Criteria: ACMG Guidelines, 2015. Collection method: clinical testing. Allele origin: germline.

Ambry Genetics
Classification: Uncertain significance for Inborn genetic diseases. Last evaluated: 2021-09-01. Review status: criteria provided, single submitter. Criteria: Ambry Variant Classification Scheme 2023. Collection method: clinical testing. Allele origin: germline.

NM_001004334.4(GPR179):c.5448G>C (p.Lys1816Asn)

Gene: GPR179 (G protein-coupled receptor 179; minus strand). Cytogenetic location: 17q12.
Variant type: single nucleotide variant.
Coding change: c.5448G>C on transcript NM_001004334.4 (MANE Select); coding-DNA position 5448, G replaced by C.
Protein change: p.Lys1816Asn; replaces lysine 1816 with asparagine.
Molecular consequence: missense variant.
Genome position (GRCh38, 1-based): chr17:38,328,121, C>G on the plus strand (G>C on the coding strand, the complement: GPR179 is on the minus strand). VCF-style: chr17-38328121-C-G. GRCh37 (hg19) VCF-style: chr17-36484004-C-G.
Other names: c.5448G>C (NM_001004334.2); short protein forms K1816N.
Identifiers: ClinVar variation 1469809 (VCV001469809.10), dbSNP rs369946547, ClinGen allele CA290103558.